The following is an entry in ClinVar:

NM_006204.4(PDE6C):c.836T>C (p.Ile279Thr)

Gene: PDE6C (phosphodiesterase 6C; plus strand). Cytogenetic location: 10q23.33.
Variant type: single nucleotide variant.
Coding change: c.836T>C on transcript NM_006204.4 (MANE Select); coding-DNA position 836, T replaced by C.
Protein change: p.Ile279Thr; replaces isoleucine 279 with threonine.
Molecular consequence: missense variant.
Genome position (GRCh38, 1-based): chr10:93,622,044, T>C. VCF-style: chr10-93622044-T-C. GRCh37 (hg19) VCF-style: chr10-95381801-T-C.
Other names: short protein forms I279T.
Identifiers: ClinVar variation 487697 (VCV000487697.4), dbSNP rs762152984, ClinGen allele CA5609954.

ClinVar aggregate classification (germline): Conflicting classifications of pathogenicity. Review status: criteria provided, conflicting classifications (1 of 4 stars). 3 submissions from 3 submitters: Likely pathogenic (1); Uncertain significance (1). 1 of the submissions does not count toward it. Last evaluated 2022-10-13.

Conditions:
Achromatopsia 5 (ACHM5). Identifiers: MedGen C2751309, MONDO:0800196.
Achromatopsia. Also called: Rod monochromatism. Identifiers: Orphanet 49382, MedGen C0152200, MONDO:0018852, HP:0011516.

Allele frequency attached by ClinVar (database versions not stated): gnomAD 0.00001; gnomAD exomes 0.00001 and 0.00002; ExAC 0.00002.
gnomAD v4.1: 11 of 1,613,992 alleles (0.00068%); highest among the groups gnomAD compares: African/African-American, 0.0013%; no homozygotes.

Submissions (3):

Labcorp Genetics (formerly Invitae), Labcorp
Classification: Uncertain significance. Last evaluated: 2022-10-13. Review status: criteria provided, single submitter. Criteria: Invitae Variant Classification Sherloc (09022015). Collection method: clinical testing. Allele origin: germline.
Comment: This variant is present in population databases (rs762152984, gnomAD 0.004%). This missense change has been observed in individual(s) with achromatopsia (PMID: 30080950). ClinVar contains an entry for this variant (Variation ID: 487697). Advanced modeling of protein sequence and biophysical properties (such as structural, functional, and spatial information, amino acid conservation, physicochemical variation, residue mobility, and thermodynamic stability) has been performed at Invitae for this missense variant, however the output from this modeling did not meet the statistical confidence thresholds required to predict the impact of this variant on PDE6C protein function. In summary, the available evidence is currently insufficient to determine the role of this variant in disease. Therefore, it has been classified as a Variant of Uncertain Significance. This sequence change replaces isoleucine, which is neutral and non-polar, with threonine, which is neutral and polar, at codon 279 of the PDE6C protein (p.Ile279Thr).

Molecular Genetics Laboratory, Institute for Ophthalmic Research
Classification: Likely pathogenic for Achromatopsia. Last evaluated: 2017-12-01. Review status: criteria provided, single submitter. Criteria: ACMG Guidelines, 2015. Collection method: research. Allele origin: germline. Affected: yes.

OMIM
Classification: Pathogenic for ACHROMATOPSIA 5. Last evaluated: 2019-03-15. Review status: no assertion criteria provided. Collection method: literature only. Allele origin: germline. Not counted in ClinVar's aggregate classification.

Literature cited by the submitters: PubMed 30080950 (cited by Labcorp Genetics (formerly Invitae), Labcorp and OMIM).